The following is an entry in ClinVar:

NM_014363.6(SACS):c.159_171+10del

Genes: SACS (sacsin molecular chaperone; minus strand), LOC130009366 (ATAC-STARR-seq lymphoblastoid silent region 5172; plus strand). Cytogenetic location: 13q12.12.
Variant type: Deletion.
Coding change: c.159_171+10del on transcript NM_014363.6 (MANE Select); coding-DNA position 159 through 10 bases into the intron after coding-DNA position 171, 23 bases deleted (CGGCGGCCGCGAGGTAGGCGGTG).
Molecular consequence: splice donor variant.
Genome position (GRCh38, 1-based): chr13:23,375,109-23,375,131, CACCGCCTACCTCGCGGCCGCCG deleted on the plus strand (CGGCGGCCGCGAGGTAGGCGGTG on the coding strand, the reverse complement: SACS is on the minus strand); deleting any 23 consecutive bases within chr13:23,375,109-23,375,132 gives the same sequence; the c. name uses the placement nearest the transcript's 3' end. VCF-style (leftmost placement, unchanged base first): chr13-23375108-CCACCGCCTACCTCGCGGCCGCCG-C. GRCh37 (hg19) VCF-style: chr13-23949247-CCACCGCCTACCTCGCGGCCGCCG-C.
Other names: c.159_171+10del (NM_001437336.1); c.-195_-183+10del (NM_001278055.2).
Identifiers: ClinVar variation 4815686 (VCV004815686.1).

ClinVar aggregate classification (germline): Likely pathogenic (1 of 4 stars; one submission).

Conditions:
Charlevoix-Saguenay spastic ataxia (SACS). Also called: AUTOSOMAL RECESSIVE SPASTIC ATAXIA OF CHARLEVOIX-SAGUENAY; Spastic ataxia of Charlevoix-Saguenay; SPASTIC ATAXIA 6, AUTOSOMAL RECESSIVE. Identifiers: Orphanet 98, MedGen C1849140, MONDO:0010041, OMIM 270550.

Submission:

Natera, Inc.
Classification: Likely pathogenic for Charlevoix-Saguenay type spastic ataxia. Last evaluated: 2024-02-24. Review status: criteria provided, single submitter. Criteria: Natera Variant Classification Schema (03/2026). Collection method: clinical testing. Allele origin: germline.
Comment: The c.159_171+10delCGGCGGCCGCGAGGTAGGCGGTG variant in SACS is a frameshift variant predicted to shift the reading frame and introduce a stop codon. This variant is expected to result in nonsense mediated decay, truncation, or a dysfunctional protein product. This variant is rare in the general population with a frequency below the threshold expected for the associated phenotype(s). Given the available evidence, this variant is classified as Likely Pathogenic.